The following is an entry in ClinVar:

NM_207361.6(FREM2):c.5162dup (p.Phe1722fs)

Gene: FREM2 (FRAS1 related extracellular matrix 2; plus strand). Cytogenetic location: 13q13.3.
Variant type: Duplication.
Coding change: c.5162dup on transcript NM_207361.6 (MANE Select); coding-DNA position 5162, one base duplicated (A; older notation c.5162dupA).
Protein change: p.Phe1722fs; shifts the reading frame from phenylalanine 1722.
Molecular consequence: frameshift variant.
Genome position (GRCh38, 1-based): chr13:38,692,506, A duplicated. VCF-style (leftmost placement, unchanged base first): chr13-38692505-C-CA. GRCh37 (hg19) VCF-style: chr13-39266642-C-CA.
Other names: short protein forms F1722fs.
Identifiers: ClinVar variation 983512 (VCV000983512.8), dbSNP rs769926034, ClinGen allele CA248294057.

ClinVar aggregate classification (germline): Pathogenic/Likely pathogenic. Review status: criteria provided, multiple submitters, no conflicts (2 of 4 stars). 6 submissions from 5 submitters: Pathogenic (5); Likely pathogenic (1). Last evaluated 2026-09-01.

Conditions:
Fraser syndrome 2 (FRASRS2). Identifiers: MedGen C4540036, MONDO:0054738, OMIM 617666.
Isolated cryptophthalmia. Also called: ANKYLOBLEPHARON, SIMPLE; Cryptophthalmos, unilateral or bilateral, isolated. Identifiers: Orphanet 91396, MedGen C1852453, MONDO:0007410, OMIM 123570.

Allele frequency attached by ClinVar (database versions not stated): gnomAD exomes 0.00001 and 0.00004; gnomAD 0.00004; TOPMed 0.00004; ESP Exome Variant Server 0.00008.

Submissions (6):

CeGaT Center for Human Genetics Tuebingen
Classification: Pathogenic. Last evaluated: 2026-09-01. Review status: criteria provided, single submitter. Criteria: CeGaT Center For Human Genetics Tuebingen Variant Classification Criteria Version 2. Collection method: clinical testing. Allele origin: germline. Affected: yes. Observed: 1 variant allele.
Comment: FREM2: PVS1, PM2

Labcorp Genetics (formerly Invitae), Labcorp
Classification: Pathogenic. Last evaluated: 2025-10-21. Review status: criteria provided, single submitter. Criteria: Invitae Variant Classification Sherloc (09022015). Collection method: clinical testing. Allele origin: germline.
Comment: This sequence change creates a premature translational stop signal (p.Phe1722Valfs*5) in the FREM2 gene. It is expected to result in an absent or disrupted protein product. Loss-of-function variants in FREM2 are known to be pathogenic (PMID: 18203166, 26552811). This variant is present in population databases (rs769926034, gnomAD 0.005%). This variant has not been reported in the literature in individuals affected with FREM2-related conditions. ClinVar contains an entry for this variant (Variation ID: 983512). For these reasons, this variant has been classified as Pathogenic.

Fulgent Genetics
Classification: Likely pathogenic for Isolated cryptophthalmia; Fraser syndrome 2. Last evaluated: 2021-10-14. Review status: criteria provided, single submitter. Criteria: ACMG Guidelines, 2015. Collection method: clinical testing. Allele origin: unknown.

Johns Hopkins Genomics, Johns Hopkins University
Classification: Pathogenic for Fraser syndrome 2. Last evaluated: 2020-10-23. Review status: criteria provided, single submitter. Criteria: ACMG Guidelines, 2015. Collection method: clinical testing. Allele origin: germline.

Genomic Medicine Lab, University of California San Francisco
Classification: Pathogenic for Fraser syndrome 2. Last evaluated: 2020-09-10. Review status: criteria provided, single submitter. Criteria: ACMG Guidelines, 2015. Collection method: clinical testing. Allele origin: maternal. Inheritance: Autosomal recessive inheritance. Affected: yes. Study: CSER-P3EGS.

Genomic Medicine Lab, University of California San Francisco
Classification: Pathogenic for Fraser syndrome 2. Review status: criteria provided, single submitter. Criteria: ACMG Guidelines, 2015. Collection method: clinical testing. Allele origin: maternal. Study: CSER.

Literature cited by the submitters: PubMed 18203166 (cited by Labcorp Genetics (formerly Invitae), Labcorp); PubMed 26552811 (cited by Labcorp Genetics (formerly Invitae), Labcorp).